The following is an entry in ClinVar:

ClinVar aggregate classification (germline): Pathogenic/Likely pathogenic. Review status: criteria provided, multiple submitters, no conflicts (2 of 4 stars). 3 submissions from 3 submitters: Pathogenic (2); Likely pathogenic (1). Last evaluated 2025-10-19.

Conditions:
Familial adenomatous polyposis 4 (FAP4). Also called: MSH3-related attenuated familial adenomatous polyposis. Identifiers: Orphanet 480536, MedGen C4310719, MONDO:0044300, OMIM 617100.

Submissions (3):

Labcorp Genetics (formerly Invitae), Labcorp
Classification: Pathogenic. Last evaluated: 2025-10-19. Review status: criteria provided, single submitter. Criteria: Invitae Variant Classification Sherloc (09022015). Collection method: clinical testing. Allele origin: germline.
Comment: This sequence change creates a premature translational stop signal (p.Glu546Glyfs*8) in the MSH3 gene. It is expected to result in an absent or disrupted protein product. Loss-of-function variants in MSH3 are known to be pathogenic (PMID: 27476653, 37402566). This variant is not present in population databases (gnomAD no frequency). This variant has not been reported in the literature in individuals affected with MSH3-related conditions. ClinVar contains an entry for this variant (Variation ID: 2673543). For these reasons, this variant has been classified as Pathogenic.

Quest Diagnostics Nichols Institute San Juan Capistrano
Classification: Likely pathogenic. Last evaluated: 2024-07-03. Review status: criteria provided, single submitter. Criteria: Quest Diagnostics criteria. Collection method: clinical testing. Allele origin: unknown.
Comment: The MSH3 c.1636dup (p.Glu546Glyfs*8) variant alters the translational reading frame of the MSH3 mRNA and is predicted to cause the premature termination of MSH3 protein synthesis. This variant has not been reported in individuals with MSH3-related conditions in the published literature. This variant has not been reported in large, multi-ethnic general populations (Genome Aggregation Database). Based on the available information, this variant is classified as likely pathogenic.

Myriad Genetics, Inc.
Classification: Pathogenic for Familial adenomatous polyposis 4. Last evaluated: 2023-08-30. Review status: criteria provided, single submitter. Criteria: Myriad Autosomal Dominant, Autosomal Recessive and X-Linked Classification Criteria (2023). Collection method: clinical testing. Allele origin: unknown.
Comment: This variant is considered pathogenic. This variant creates a frameshift predicted to result in premature protein truncation.

Literature cited by the submitters: PubMed 27476653 (cited by Labcorp Genetics (formerly Invitae), Labcorp); PubMed 37402566 (cited by Labcorp Genetics (formerly Invitae), Labcorp).

NM_002439.5(MSH3):c.1636dup (p.Glu546fs)

Gene: MSH3 (mutS homolog 3; plus strand). Cytogenetic location: 5q14.1.
Variant type: Duplication.
Coding change: c.1636dup on transcript NM_002439.5 (MANE Select); coding-DNA position 1636, one base duplicated (G; older notation c.1636dupG).
Protein change: p.Glu546fs; shifts the reading frame from glutamic acid 546.
Molecular consequence: frameshift variant.
Genome position (GRCh38, 1-based): chr5:80,741,531, G duplicated; the last of 2 consecutive G bases (chr5:80,741,530-80,741,531); duplicating either gives the same sequence. VCF-style (leftmost placement, unchanged base first): chr5-80741529-T-TG. GRCh37 (hg19) VCF-style: chr5-80037348-T-TG.
Other names: c.1636dup (NM_002439.4); short protein forms E546fs.
Identifiers: ClinVar variation 2673543 (VCV002673543.3), dbSNP rs2546760478, ClinGen allele CA2695198661.
Genomic context (GRCh38, chr5:80,741,529, plus strand): 5'-TTAAACAGCTATCAAGTAAAATGGAATTTATGACAATTAATGGAACAACATTAAGGAATC[T>TG]GGAAATCCTACAGAATCAGGTCAGGCAAATACAAGGGCTAGTTGATTATAAATCGTTTTG-3'